The following is an entry in ClinVar:

ClinVar aggregate classification (germline): Benign (0 of 4 stars; one submission).

Conditions:
DNMBP-related disorder. Also called: DNMBP-related condition.

Allele frequency attached by ClinVar (database versions not stated): gnomAD 0.02799; TOPMed 0.03195; ESP Exome Variant Server 0.03283; 1000 Genomes Project 0.03534; 1000 Genomes Project 30x 0.03623.
gnomAD v4.1: 8,757 of 1,613,992 alleles (0.54%); highest among the groups gnomAD compares: African/African-American, 9.7%; 391 homozygotes.

Submission:

PreventionGenetics, part of Exact Sciences
Classification: Benign for DNMBP-related condition. Last evaluated: 2019-11-14. Review status: no assertion criteria provided. Collection method: clinical testing. Allele origin: germline.
Comment: This variant is classified as benign based on ACMG/AMP sequence variant interpretation guidelines (Richards et al. 2015 PMID: 25741868, with internal and published modifications).

NM_015221.4(DNMBP):c.3318C>T (p.Pro1106=)

Gene: DNMBP (dynamin binding protein; minus strand). Cytogenetic location: 10q24.2.
Variant type: single nucleotide variant.
Coding change: c.3318C>T on transcript NM_015221.4 (MANE Select); coding-DNA position 3318, C replaced by T.
Protein change: p.Pro1106=; no amino-acid change (proline 1106 retained).
Molecular consequence: synonymous variant.
Genome position (GRCh38, 1-based): chr10:99,886,600, G>A on the plus strand (C>T on the coding strand, the complement: DNMBP is on the minus strand). VCF-style: chr10-99886600-G-A. GRCh37 (hg19) VCF-style: chr10-101646357-G-A.
Other names: c.2214C>T, p.Pro738= (NM_001318326.2); c.1056C>T, p.Pro352= (NM_001318327.2).
Identifiers: ClinVar variation 3056379 (VCV003056379.2), dbSNP rs35277675, ClinGen allele CA5644569.